The following is an entry in ClinVar:

ClinVar aggregate classification (germline): Likely benign (0 of 4 stars; one submission).

Conditions:
BTRC-related disorder. Also called: BTRC-related condition.

Allele frequency attached by ClinVar (database versions not stated): gnomAD 0.00013; TOPMed 0.00031.
gnomAD v4.1: 137 of 1,548,792 alleles (0.0088%); highest among the groups gnomAD compares: Admixed American, 0.26%; no homozygotes.

Submission:

PreventionGenetics, part of Exact Sciences
Classification: Likely benign for BTRC-related condition. Last evaluated: 2019-04-23. Review status: no assertion criteria provided. Collection method: clinical testing. Allele origin: germline.
Comment: This variant is classified as likely benign based on ACMG/AMP sequence variant interpretation guidelines (Richards et al. 2015 PMID: 25741868, with internal and published modifications).

NM_033637.4(BTRC):c.-8C>T

Gene: BTRC (beta-transducin repeat containing E3 ubiquitin protein ligase; plus strand). Cytogenetic location: 10q24.32.
Variant type: single nucleotide variant.
Coding change: c.-8C>T on transcript NM_033637.4 (MANE Select); 8 bases upstream of the start codon, C replaced by T.
Molecular consequence: 5 prime UTR variant.
Genome position (GRCh38, 1-based): chr10:101,354,173, C>T. VCF-style: chr10-101354173-C-T. GRCh37 (hg19) VCF-style: chr10-103113930-C-T.
Other names: c.-8C>T (NM_001256856.2, NM_003939.5).
Identifiers: ClinVar variation 3041512 (VCV003041512.2), dbSNP rs775210690, ClinGen allele CA5655833.